The following is an entry in ClinVar:

NM_057175.5(NAA15):c.1896T>A (p.Asp632Glu)

Gene: NAA15 (N-alpha-acetyltransferase 15, NatA auxiliary subunit; plus strand). Cytogenetic location: 4q31.1.
Variant type: single nucleotide variant.
Coding change: c.1896T>A on transcript NM_057175.5 (MANE Select); coding-DNA position 1896, T replaced by A.
Protein change: p.Asp632Glu; replaces aspartic acid 632 with glutamic acid.
Molecular consequence: missense variant.
Genome position (GRCh38, 1-based): chr4:139,370,353, T>A. VCF-style: chr4-139370353-T-A. GRCh37 (hg19) VCF-style: chr4-140291507-T-A.
Other names: c.1896T>A, p.Asp632Glu (NM_001410842.1); short protein forms D632E.
Identifiers: ClinVar variation 3731030 (VCV003731030.1).

ClinVar aggregate classification (germline): Uncertain significance (1 of 4 stars; one submission).

Submission:

GeneDx
Classification: Uncertain significance. Last evaluated: 2024-08-09. Review status: criteria provided, single submitter. Criteria: GeneDx Variant Classification Process June 2021. Collection method: clinical testing. Allele origin: germline. Affected: yes.
Comment: Not observed at significant frequency in large population cohorts (gnomAD); In silico analysis indicates that this missense variant does not alter protein structure/function; Has not been previously published as pathogenic or benign to our knowledge